The following is an entry in ClinVar:

NM_004187.5(KDM5C):c.4572T>G (p.Asn1524Lys)

Gene: KDM5C (lysine demethylase 5C; minus strand). Cytogenetic location: Xp11.22.
Variant type: single nucleotide variant.
Coding change: c.4572T>G on transcript NM_004187.5 (MANE Select); coding-DNA position 4572, T replaced by G.
Protein change: p.Asn1524Lys; replaces asparagine 1524 with lysine.
Molecular consequence: missense variant. On other transcripts: intron variant (5).
Genome position (GRCh38, 1-based): chrX:53,193,078, A>C on the plus strand (T>G on the coding strand, the complement: KDM5C is on the minus strand). VCF-style: chrX-53193078-A-C. GRCh37 (hg19) VCF-style: chrX-53222260-A-C.
Other names: c.4569T>G, p.Asn1523Lys (NM_001282622.3); c.4563T>G, p.Asn1521Lys (NM_001353978.3); c.4305+359T>G (NM_001353982.2); c.4314+359T>G (NM_001353979.2); c.4308+359T>G (NM_001353981.2, NM_001353984.2); c.4047-241T>G (NM_001146702.2); short protein forms N1524K, N1521K, N1523K.
Identifiers: ClinVar variation 429905 (VCV000429905.2), dbSNP rs1131691662, ClinGen allele CA413102334.

ClinVar aggregate classification (germline): Uncertain significance (1 of 4 stars; one submission).

Submission:

GeneDx
Classification: Uncertain significance. Last evaluated: 2017-05-15. Review status: criteria provided, single submitter. Criteria: GeneDx Variant Classification (06012015). Collection method: clinical testing. Allele origin: germline. Affected: yes.
Comment: A variant of uncertain significance has been identified in the KDM5C gene. The N1524K variant has not been published as a pathogenic variant, nor has it been reported as a benign variant to our knowledge. The N1524K variant is not observed in large population cohorts (Lek et al., 2016; 1000 Genomes Consortium et al., 2015; Exome Variant Server). The N1524K variant is a semi-conservative amino acid substitution, which may impact secondary protein structure as these residues differ in some properties. However, this substitution occurs at a position that is not conserved. In silico analysis is inconsistent in its predictions as to whether or not the variant is damaging to the protein structure/function. Therefore, based on the currently available information, it is unclear whether this variant is a pathogenic variant or a rare benign variant.